The following is an entry in ClinVar:

NM_198904.4(GABRG2):c.769G>A (p.Gly257Arg)

Gene: GABRG2 (gamma-aminobutyric acid type A receptor subunit gamma2; plus strand). Cytogenetic location: 5q34.
Variant type: single nucleotide variant.
Coding change: c.769G>A on transcript NM_198904.4 (MANE Select); coding-DNA position 769, G replaced by A.
Protein change: p.Gly257Arg; replaces glycine 257 with arginine.
Molecular consequence: missense variant.
Genome position (GRCh38, 1-based): chr5:162,104,026, G>A. VCF-style: chr5-162104026-G-A. GRCh37 (hg19) VCF-style: chr5-161531032-G-A.
Other names: c.703G>A, p.Gly235Arg (NM_001375346.1, NM_001375345.1); c.682G>A, p.Gly228Arg (NM_001375347.1); c.484G>A, p.Gly162Arg (NM_001375349.1); c.349G>A, p.Gly117Arg (NM_001375348.1, NM_001375350.1); c.889G>A, p.Gly297Arg (NM_198903.2, NM_001375343.1); c.769G>A, p.Gly257Arg (NM_000816.3, NM_001375340.1); c.760G>A, p.Gly254Arg (NM_001375339.1); c.769G>A, p.Asp257Asn (NM_001375341.1, NM_001375342.1); and 1 more; short protein forms G297R, G257R, D257N, E257K, G117R, G162R, G228R, G235R.
Identifiers: ClinVar variation 433102 (VCV000433102.10), dbSNP rs1554098235, ClinGen allele CA362185265.

ClinVar aggregate classification (germline): Pathogenic/Likely pathogenic. Review status: criteria provided, multiple submitters, no conflicts (2 of 4 stars). 3 submissions from 3 submitters: Pathogenic (1); Likely pathogenic (1). 1 of the submissions does not count toward it. Last evaluated 2026-01-05.

Conditions:
Self-limited epilepsy with centrotemporal spikes. Also called: Rolandic epilepsy; Childhood epilepsy with centrotemporal spikes. Identifiers: Orphanet 1945, MedGen C0376532, MONDO:0007295.
EPILEPSY, CHILDHOOD ABSENCE, SUSCEPTIBILITY TO, 2 (ECA2). Identifiers: Orphanet 64280, MedGen C1843244, OMIM 607681.
Febrile seizures, familial, 8 (FEB8). Also called: CONVULSIONS, FAMILIAL FEBRILE, 8. Identifiers: Orphanet 36387, MedGen C1969810, MONDO:0011891, OMIM 607681.

Allele frequency attached by ClinVar (database versions not stated): gnomAD exomes below 0.00001.

Submissions (4):

Labcorp Genetics (formerly Invitae), Labcorp
Classification: Pathogenic for Febrile seizures, familial, 8; EPILEPSY, CHILDHOOD ABSENCE, SUSCEPTIBILITY TO, 2. Last evaluated: 2026-01-05. Review status: criteria provided, single submitter. Criteria: Invitae Variant Classification Sherloc (09022015). Collection method: clinical testing. Allele origin: germline.
Comment: This sequence change replaces glycine, which is neutral and non-polar, with arginine, which is basic and polar, at codon 257 of the GABRG2 protein (p.Gly257Arg). This variant also falls at the last nucleotide of exon 6, which is part of the consensus splice site for this exon. This variant is not present in population databases (gnomAD no frequency). This missense change has been observed in individuals with clinical features of GABRG2-related conditions (PMID: 25726841; internal data). ClinVar contains an entry for this variant (Variation ID: 433102). An algorithm developed to predict the effect of missense changes on protein structure and function (PolyPhen-2) suggests that this variant is likely to be disruptive. Experimental studies have shown that this missense change affects GABRG2 function (PMID: 25726841). Variants that disrupt the consensus splice site are a relatively common cause of aberrant splicing (PMID: 17576681, 9536098). Algorithms developed to predict the effect of sequence changes on RNA splicing suggest that this variant may disrupt the consensus splice site. For these reasons, this variant has been classified as Pathogenic.

GeneDx
Classification: Likely pathogenic. Last evaluated: 2023-12-14. Review status: criteria provided, single submitter. Criteria: GeneDx Variant Classification Process June 2021. Collection method: clinical testing. Allele origin: germline. Affected: yes.
Comment: Reported in individuals with rolandic epilepsy in published literature (PMID: 25726841, 29358611); Published functional studies demonstrate a damaging effect on cell surface localization and levels of palmitoylation required for protein trafficking to the cell membrane (PMID: 25726841); Not observed at significant frequency in large population cohorts (gnomAD); The last nucleotide of exon variant in a gene for which loss of function is a known mechanism of disease, and both splice predictors and evolutionary conservation support a deleterious effect, although in the absence of functional evidence the actual effect of this sequence change is unknown.; This variant is associated with the following publications: (PMID: 28351718, 30851244, 29358611, 25726841, 36979350, 33004838)

Bioinformatics Core, Luxembourg Center for Systems Biomedicine
Classification: Pathogenic for Self-limited epilepsy with centrotemporal spikes. Last evaluated: 2017-01-01. Review status: no assertion criteria provided. Collection method: case-control. Allele origin: germline. Affected: yes. Study: EUROEPINOMICS COGIE. Not counted in ClinVar's aggregate classification.

Dr. Peter K. Rogan Lab, Western University
No classification provided (evidence only). Condition: Nonpapillary renal cell carcinoma. Review status: no classification provided. Collection method: in vitro. Allele origin: not applicable. Functional consequence: retained intron. Not counted in ClinVar's aggregate classification.

Literature cited by the submitters: PubMed 25726841 (cited by Labcorp Genetics (formerly Invitae), Labcorp); PubMed 17576681 (cited by Labcorp Genetics (formerly Invitae), Labcorp); PubMed 9536098 (cited by Labcorp Genetics (formerly Invitae), Labcorp); PubMed 29358611 (cited by Bioinformatics Core, Luxembourg Center for Systems Biomedicine).